The following is an entry in ClinVar:

ClinVar aggregate classification (germline): Uncertain significance (1 of 4 stars; one submission).

Conditions:
Primary ciliary dyskinesia. Also called: Ciliary dyskinesia. Identifiers: Orphanet 244, MedGen C0008780, MONDO:0016575, HP:0012265.

Allele frequency attached by ClinVar (database versions not stated): gnomAD 0.00001; TOPMed 0.00001; gnomAD exomes 0.00002; ExAC 0.00003.

Submission:

Ambry Genetics
Classification: Uncertain significance for Primary ciliary dyskinesia. Last evaluated: 2024-07-06. Review status: criteria provided, single submitter. Criteria: Ambry Variant Classification Scheme 2023. Collection method: clinical testing. Allele origin: germline.
Comment: The p.M192V variant (also known as c.574A>G), located in coding exon 6 of the CCDC114 gene, results from an A to G substitution at nucleotide position 574. The methionine at codon 192 is replaced by valine, an amino acid with highly similar properties. This amino acid position is conserved. In addition, this alteration is predicted to be tolerated by in silico analysis. Since supporting evidence is limited at this time, the clinical significance of this alteration remains unclear.

NM_001364171.2(ODAD1):c.685A>G (p.Met229Val)

Gene: ODAD1 (outer dynein arm docking complex subunit 1; minus strand). Cytogenetic location: 19q13.33.
Variant type: single nucleotide variant.
Coding change: c.685A>G on transcript NM_001364171.2 (MANE Select); coding-DNA position 685, A replaced by G.
Protein change: p.Met229Val; replaces methionine 229 with valine.
Molecular consequence: missense variant.
Genome position (GRCh38, 1-based): chr19:48,304,121, T>C on the plus strand (A>G on the coding strand, the complement: ODAD1 is on the minus strand). VCF-style: chr19-48304121-T-C. GRCh37 (hg19) VCF-style: chr19-48807378-T-C.
Other names: c.574A>G, p.Met192Val (NM_144577.4); short protein forms M192V, M229V.
Identifiers: ClinVar variation 1800136 (VCV001800136.3), dbSNP rs776279484, ClinGen allele CA9548991.